The following is an entry in ClinVar:

NM_005144.5(HR):c.2754G>T (p.Trp918Cys)

Gene: HR (HR lysine demethylase and nuclear receptor corepressor; minus strand). Cytogenetic location: 8p21.3.
Variant type: single nucleotide variant.
Coding change: c.2754G>T on transcript NM_005144.5 (MANE Select); coding-DNA position 2754, G replaced by T.
Protein change: p.Trp918Cys; replaces tryptophan 918 with cysteine.
Molecular consequence: missense variant.
Genome position (GRCh38, 1-based): chr8:22,120,364, C>A on the plus strand (G>T on the coding strand, the complement: HR is on the minus strand). VCF-style: chr8-22120364-C-A. GRCh37 (hg19) VCF-style: chr8-21977877-C-A.
Other names: c.2754G>T, p.Trp918Cys (NM_018411.4); short protein forms W918C.
Identifiers: ClinVar variation 3775357 (VCV003775357.1).

ClinVar aggregate classification (germline): Uncertain significance (1 of 4 stars; one submission).

Conditions:
Alopecia universalis congenita (ALUNC). Also called: ATRICHIA, GENERALIZED. Identifiers: Orphanet 701, MedGen C1859877, MONDO:0008757, OMIM 203655.

Submission:

3billion
Classification: Uncertain significance for Alopecia universalis congenita. Last evaluated: 2023-09-07. Review status: criteria provided, single submitter. Criteria: ACMG Guidelines, 2015. Collection method: clinical testing. Allele origin: germline. Affected: yes.
Comment: The variant is not observed in the gnomAD v2.1.1 dataset. Predicted Consequence/Location: Missense variant Therefore, this variant is classified as VUS according to the recommendation of ACMG/AMP guideline.